The following is an entry in ClinVar:

NM_031935.3(HMCN1):c.13874G>A (p.Cys4625Tyr)

Gene: HMCN1 (hemicentin 1; plus strand). Cytogenetic location: 1q31.1.
Variant type: single nucleotide variant.
Coding change: c.13874G>A on transcript NM_031935.3 (MANE Select); coding-DNA position 13874, G replaced by A.
Protein change: p.Cys4625Tyr; replaces cysteine 4625 with tyrosine.
Molecular consequence: missense variant.
Genome position (GRCh38, 1-based): chr1:186,137,922, G>A. VCF-style: chr1-186137922-G-A. GRCh37 (hg19) VCF-style: chr1-186107054-G-A.
Other names: c.13874G>A (NM_031935.2); short protein forms C4625Y.
Identifiers: ClinVar variation 1394413 (VCV001394413.7), dbSNP rs1649718920, ClinGen allele CA343912925.

ClinVar aggregate classification (germline): Uncertain significance. Review status: criteria provided, multiple submitters, no conflicts (2 of 4 stars). 2 submissions from 2 submitters: Uncertain significance (2). Last evaluated 2025-06-22.

Allele frequency attached by ClinVar (database versions not stated): gnomAD 0.00001; gnomAD exomes 0.00001; TOPMed 0.00001.
gnomAD v4.1: 5 of 1,613,954 alleles (0.00031%); highest among the groups gnomAD compares: Non-Finnish European, 0.00042%; no homozygotes.

Submissions (2):

Ambry Genetics
Classification: Uncertain significance. Last evaluated: 2025-06-22. Review status: criteria provided, single submitter. Criteria: Ambry Variant Classification Scheme 2023. Collection method: clinical testing. Allele origin: germline.

Labcorp Genetics (formerly Invitae), Labcorp
Classification: Uncertain significance. Last evaluated: 2023-07-31. Review status: criteria provided, single submitter. Criteria: Invitae Variant Classification Sherloc (09022015). Collection method: clinical testing. Allele origin: germline.
Comment: In summary, the available evidence is currently insufficient to determine the role of this variant in disease. Therefore, it has been classified as a Variant of Uncertain Significance. An algorithm developed to predict the effect of missense changes on protein structure and function (PolyPhen-2) suggests that this variant is likely to be disruptive. ClinVar contains an entry for this variant (Variation ID: 1394413). This variant has not been reported in the literature in individuals affected with HMCN1-related conditions. This variant is not present in population databases (gnomAD no frequency). This sequence change replaces cysteine, which is neutral and slightly polar, with tyrosine, which is neutral and polar, at codon 4625 of the HMCN1 protein (p.Cys4625Tyr).